The following is an entry in ClinVar:

NM_000384.3(APOB):c.12530G>A (p.Arg4177Gln)

Gene: APOB (apolipoprotein B; minus strand). Cytogenetic location: 2p24.1.
Variant type: single nucleotide variant.
Coding change: c.12530G>A on transcript NM_000384.3 (MANE Select); coding-DNA position 12530, G replaced by A.
Protein change: p.Arg4177Gln; replaces arginine 4177 with glutamine.
Molecular consequence: missense variant.
Genome position (GRCh38, 1-based): chr2:21,002,892, C>T on the plus strand (G>A on the coding strand, the complement: APOB is on the minus strand). VCF-style: chr2-21002892-C-T. GRCh37 (hg19) VCF-style: chr2-21225764-C-T.
Other names: c.12530G>A (NM_000384.2); short protein forms R4177Q.
Identifiers: ClinVar variation 2185701 (VCV002185701.8), dbSNP rs1458728752, ClinGen allele CA345971040.

ClinVar aggregate classification (germline): Conflicting classifications of pathogenicity. Review status: criteria provided, conflicting classifications (1 of 4 stars). 3 submissions from 3 submitters: Uncertain significance (2); Likely benign (1). Last evaluated 2025-10-19.

Conditions:
Familial hypobetalipoproteinemia 1. Also called: APOB-Related Familial Hypobetalipoproteinemia; Hypobetalipoproteinemia, normotriglyceridemic; Acanthocytosis with hypobetalipoproteinemia. Identifiers: MedGen C4551990, MONDO:0014252, OMIM 615558.
Hypercholesterolemia, autosomal dominant, type B (FHCL2). Also called: Familial Hypercholesterolemia Type B; APOLIPOPROTEIN B-100, FAMILIAL DEFECTIVE; APOLIPOPROTEIN B-100, FAMILIAL LIGAND-DEFECTIVE; HYPERCHOLESTEROLEMIA, FAMILIAL, DUE TO LIGAND-DEFECTIVE APOLIPOPROTEIN B; Hyperlipoproteinemia Type IIb; APOB-Related Familial Hypercholesterolemia, Autosomal Dominant. Identifiers: MedGen C1704417, MONDO:0007751, OMIM 144010.
Cardiovascular phenotype. Identifiers: MedGen CN230736.

Allele frequency attached by ClinVar (database versions not stated): gnomAD exomes 0.00001; TOPMed 0.00001; gnomAD 0.00001.
gnomAD v4.1: 15 of 1,613,552 alleles (0.00093%); highest among the groups gnomAD compares: Admixed American, 0.01%; no homozygotes.

Submissions (3):

Labcorp Genetics (formerly Invitae), Labcorp
Classification: Likely benign for Familial hypobetalipoproteinemia 1; Hypercholesterolemia, autosomal dominant, type B. Last evaluated: 2025-10-19. Review status: criteria provided, single submitter. Criteria: Invitae Variant Classification Sherloc (09022015). Collection method: clinical testing. Allele origin: germline.

Quest Diagnostics Nichols Institute San Juan Capistrano
Classification: Uncertain significance. Last evaluated: 2025-08-27. Review status: criteria provided, single submitter. Criteria: Quest Diagnostics criteria. Collection method: clinical testing. Allele origin: unknown.
Comment: The APOB c.12530G>A (p.Arg4177Gln) variant has not been reported in individuals with APOB-related conditions in the published literature. The frequency of this variant in the general population (Genome Aggregation Database) is uninformative in the assessment of its pathogenicity. Analysis of this variant using bioinformatics tools for the prediction of the effect of amino acid changes on protein structure and function yielded predictions that this variant is benign. Based on the available information, we are unable to determine the clinical significance of this variant.

Ambry Genetics
Classification: Uncertain significance for Cardiovascular phenotype. Last evaluated: 2025-06-28. Review status: criteria provided, single submitter. Criteria: Ambry Variant Classification Scheme 2023. Collection method: clinical testing. Allele origin: germline.
Comment: The p.R4177Q variant (also known as c.12530G>A), located in coding exon 29 of the APOB gene, results from a G to A substitution at nucleotide position 12530. The arginine at codon 4177 is replaced by glutamine, an amino acid with highly similar properties. This amino acid position is conserved. In addition, this alteration is predicted to be tolerated by in silico analysis. Since supporting evidence is limited at this time, the clinical significance of this alteration remains unclear.